The following is an entry in ClinVar:

ClinVar aggregate classification (germline): Likely pathogenic (1 of 4 stars; one submission).

Conditions:
TERT-related disorder. Also called: TERT-related disorders; TERT-related condition.

Submission:

PreventionGenetics, part of Exact Sciences
Classification: Likely pathogenic for TERT-related condition. Last evaluated: 2025-12-08. Review status: criteria provided, single submitter. Criteria: ACMG Guidelines, 2015. Collection method: clinical testing. Allele origin: germline.
Comment: The TERT c.968delC variant is predicted to result in a frameshift and premature protein termination (p.Pro323Argfs*28). To our knowledge, this variant has not been reported in the literature or in a large population database (gnomAD), indicating this variant is rare. Frameshift variants in TERT are expected to be pathogenic. This variant is interpreted as likely pathogenic.

NM_198253.3(TERT):c.968del (p.Pro323fs)

Gene: TERT (telomerase reverse transcriptase; minus strand). Cytogenetic location: 5p15.33.
Variant type: Deletion.
Coding change: c.968del on transcript NM_198253.3 (MANE Select); coding-DNA position 968, one base deleted (C; older notation c.968delC).
Protein change: p.Pro323fs; shifts the reading frame from proline 323.
Molecular consequence: frameshift variant. On other transcripts: non-coding transcript variant (2).
Genome position (GRCh38, 1-based): chr5:1,293,918, G deleted on the plus strand (C on the coding strand, the reverse complement: TERT is on the minus strand); the first of 5 consecutive G bases (chr5:1,293,918-1,293,922); deleting any one gives the same sequence. VCF-style (leftmost placement, unchanged base first): chr5-1293917-CG-C. GRCh37 (hg19) VCF-style: chr5-1294032-CG-C.
Other names: c.968del, p.Pro323fs (NM_001193376.3); c.968delC (NM_198253.2); short protein forms P323fs.
Identifiers: ClinVar variation 4996389 (VCV004996389.1).
Genomic context (GRCh38, chr5:1,293,917, plus strand): 5'-GGGCCGCAGCTGCTCCTTGTCGCCTGAGGAGTAGAGGAAGTGCTTGGTCTCGGCGTACAC[CG>C]GGGGACAAGGCGTGTCCCAGGGACGTGGTGGCCGCGATGTGGATGGGGGGCCCGCGTGGT-3'